The following is an entry in ClinVar:

ClinVar aggregate classification (germline): Pathogenic (1 of 4 stars; one submission).

Conditions:
TCF12-related craniosynostosis. Also called: Craniosynostosis 3. Identifiers: Orphanet 35098, Orphanet 35099, Orphanet 672979, MedGen C3715051, MONDO:0014128, OMIM 615314.

Submission:

3billion
Classification: Pathogenic for TCF12-related craniosynostosis. Last evaluated: 2023-07-31. Review status: criteria provided, single submitter. Criteria: ACMG Guidelines, 2015. Collection method: clinical testing. Allele origin: germline. Affected: yes.
Comment: The variant is not observed in the gnomAD v2.1.1 dataset. Predicted Consequence/Location: Frameshift: predicted to result in a loss or disruption of normal protein function through nonsense-mediated decay (NMD) or protein truncation. Multiple pathogenic variants are reported downstream of the variant. The variant has been reported to be associated with TCF12 related disorder (PMID: 23354436). Therefore, this variant is classified as Pathogenic according to the recommendation of ACMG/AMP guideline.

Literature cited by the submitters: PubMed 23354436.

NM_207037.2(TCF12):c.1713del (p.Asp572fs)

Gene: TCF12 (transcription factor 12; plus strand). Cytogenetic location: 15q21.3.
Variant type: Deletion.
Coding change: c.1713del on transcript NM_207037.2 (MANE Select); coding-DNA position 1713, one base deleted (A; older notation c.1713delA).
Protein change: p.Asp572fs; shifts the reading frame from aspartic acid 572.
Molecular consequence: frameshift variant.
Genome position (GRCh38, 1-based): chr15:57,263,242, A deleted; the last of 5 consecutive A bases (chr15:57,263,238-57,263,242); deleting any one gives the same sequence. VCF-style (leftmost placement, unchanged base first): chr15-57263237-CA-C. GRCh37 (hg19) VCF-style: chr15-57555435-CA-C.
Other names: c.1203del, p.Asp402fs (NM_001306219.3); c.933del, p.Asp312fs (NM_001306220.3); c.1713del, p.Asp572fs (NM_001322151.2, NM_001322152.2, NM_001322159.3 and 2 more transcripts); c.1056del, p.Asp353fs (NM_001322154.2); c.1539del, p.Asp514fs (NM_001322156.2); c.1641del, p.Asp548fs (NM_001322157.3, NM_001322165.2, NM_003205.4 and 1 more transcripts); c.1467del, p.Asp490fs (NM_001322158.2); c.1710del, p.Asp571fs (NM_001322161.2); and 2 more; short protein forms D312fs, D353fs, D378fs, D402fs, D490fs, D514fs, D548fs, D560fs.
Identifiers: ClinVar variation 3775901 (VCV003775901.1).
Genomic context (GRCh38, chr15:57,263,237, plus strand): 5'-GATGAAAACCTTCATGAACCTCCTTCATCAGATGACATGAAGTCAGATGATGAATCCTCC[CA>C]AAAAGATATCAAGGTTTCATCTAGAGGCAGAACAAGGTATTTGTTAGCATCCAGGTTTTA-3'